The following is an entry in ClinVar:

NM_005562.3(LAMC2):c.3438A>C (p.Glu1146Asp)

Gene: LAMC2 (laminin subunit gamma 2; plus strand). Cytogenetic location: 1q25.3.
Variant type: single nucleotide variant.
Coding change: c.3438A>C on transcript NM_005562.3 (MANE Select); coding-DNA position 3438, A replaced by C.
Protein change: p.Glu1146Asp; replaces glutamic acid 1146 with aspartic acid.
Molecular consequence: missense variant.
Genome position (GRCh38, 1-based): chr1:183,243,256, A>C. VCF-style: chr1-183243256-A-C. GRCh37 (hg19) VCF-style: chr1-183212391-A-C.
Other names: short protein forms E1146D.
Identifiers: ClinVar variation 3242201 (VCV003242201.1), dbSNP rs2526147589.

ClinVar aggregate classification (germline): Uncertain significance (1 of 4 stars; one submission).

Conditions:
Epidermolysis bullosa, junctional 3B, severe. Also called: EPIDERMOLYSIS BULLOSA, JUNCTIONAL 3B, GENERALIZED SEVERE; EPIDERMOLYSIS BULLOSA, JUNCTIONAL 3B, HERLITZ TYPE. Identifiers: MedGen C5676939, MONDO:0030749, OMIM 619786.

Submission:

Neuberg Centre For Genomic Medicine, NCGM
Classification: Uncertain significance for Epidermolysis bullosa, junctional 3B, severe. Review status: criteria provided, single submitter. Criteria: ACMG Guidelines, 2015. Collection method: clinical testing. Allele origin: germline. Inheritance: Autosomal recessive inheritance. Affected: yes.
Comment: The missense variant c.3438A>C(p.Glu1146Asp) in LAMC2 gene has not been reported previously as a pathogenic variant nor as a benign variant, to our knowledge. This variant is absent in gnomAD database. This variant has not been submitted to the ClinVar database. The amino acid change p.Glu1146Asp in LAMC2 is predicted as conserved by PhyloP across 100 vertebrates. The amino acid Glu at position 1146 is changed to a Asp changing protein sequence and it might alter its composition and physico-chemical properties. For these reasons, this variant has been classified as Uncertain Significance (VUS).